The following is an entry in ClinVar:

ClinVar aggregate classification (germline): Uncertain significance. Review status: criteria provided, multiple submitters, no conflicts (2 of 4 stars). 4 submissions from 4 submitters: Uncertain significance (4). Last evaluated 2025-02-14.

Conditions:
Hereditary cancer-predisposing syndrome. Also called: Hereditary neoplastic syndrome; Tumor predisposition; Hereditary Cancer Syndrome; Neoplastic Syndromes, Hereditary. Identifiers: Orphanet 140162, MedGen C0027672, MeSH D009386, MONDO:0015356.

gnomAD v4.1: 2 of 1,613,794 alleles (0.00012%); highest among the groups gnomAD compares: Middle Eastern, 0.033%; no homozygotes.

Submissions (4):

Ambry Genetics
Classification: Uncertain significance for Hereditary cancer-predisposing syndrome. Last evaluated: 2025-02-14. Review status: criteria provided, single submitter. Criteria: Ambry Variant Classification Scheme 2023. Collection method: clinical testing. Allele origin: germline.
Comment: The p.R1256S variant (also known as c.3766C>A), located in coding exon 25 of the RAD50 gene, results from a C to A substitution at nucleotide position 3766. The arginine at codon 1256 is replaced by serine, an amino acid with dissimilar properties. This variant was identified in a cohort of 3,579 African males diagnosed with prostate cancer who underwent multi-gene panel testing of 19 DNA repair and cancer predisposition genes (Matejcic M et al. JCO Precis Oncol, 2020 Jan;4:32-43). This amino acid position is highly conserved in available vertebrate species. In addition, this alteration is predicted to be deleterious by in silico analysis. Since supporting evidence is limited at this time, the clinical significance of this alteration remains unclear.

Labcorp Genetics (formerly Invitae), Labcorp
Classification: Uncertain significance for Hereditary cancer-predisposing syndrome. Last evaluated: 2023-10-18. Review status: criteria provided, single submitter. Criteria: Invitae Variant Classification Sherloc (09022015). Collection method: clinical testing. Allele origin: germline.
Comment: This sequence change replaces arginine, which is basic and polar, with serine, which is neutral and polar, at codon 1256 of the RAD50 protein (p.Arg1256Ser). This variant is not present in population databases (gnomAD no frequency). This variant has not been reported in the literature in individuals affected with RAD50-related conditions. ClinVar contains an entry for this variant (Variation ID: 219421). Advanced modeling of protein sequence and biophysical properties (such as structural, functional, and spatial information, amino acid conservation, physicochemical variation, residue mobility, and thermodynamic stability) performed at Invitae indicates that this missense variant is expected to disrupt RAD50 protein function. In summary, the available evidence is currently insufficient to determine the role of this variant in disease. Therefore, it has been classified as a Variant of Uncertain Significance.

Quest Diagnostics Nichols Institute San Juan Capistrano
Classification: Uncertain significance. Last evaluated: 2023-02-13. Review status: criteria provided, single submitter. Criteria: Quest Diagnostics criteria. Collection method: clinical testing. Allele origin: unknown.
Comment: It has not been reported in large, multi-ethnic general populations. Limited information regarding the clinical significance of this variant has been found in the published literature (PMID: 32832836 (2020)). Analysis of this variant using bioinformatics tools for the prediction of the effect of amino acid changes on protein structure and function yielded predictions that this variant is damaging. Based on the available information, we are unable to determine the clinical significance of this variant.

Genomic Research Center, Shahid Beheshti University of Medical Sciences
Classification: Uncertain significance for Hereditary cancer-predisposing syndrome. Last evaluated: 2020-05-03. Review status: criteria provided, single submitter. Criteria: ACMG Guidelines, 2015. Collection method: clinical testing. Allele origin: unknown. Affected: yes.

Literature cited by the submitters: PubMed 32832836 (cited by Ambry Genetics and Quest Diagnostics Nichols Institute San Juan Capistrano).

NM_005732.4(RAD50):c.3766C>A (p.Arg1256Ser)

Genes: TH2LCRR (T helper type 2 locus control region associated RNA; minus strand), RAD50 (RAD50 double strand break repair protein; plus strand), TH2-LCR (Th2 cytokine locus control region; plus strand). Cytogenetic location: 5q31.1.
Variant type: single nucleotide variant.
Coding change: c.3766C>A on transcript NM_005732.4 (MANE Select); coding-DNA position 3766, C replaced by A.
Protein change: p.Arg1256Ser; replaces arginine 1256 with serine.
Molecular consequence: missense variant.
Genome position (GRCh38, 1-based): chr5:132,642,191, C>A. VCF-style: chr5-132642191-C-A. GRCh37 (hg19) VCF-style: chr5-131977883-C-A.
Other names: short protein forms R1256S.
Identifiers: ClinVar variation 219421 (VCV000219421.18), dbSNP rs561655417, ClinGen allele CA350608.
Genomic context (GRCh38, chr5:132,642,191, plus strand): 5'-GGGGTTATGCTCTTTACTAATAATATGTTCTGAATATATTGTTGCAGGATAATAAAAAGT[C>A]GCTCACAGCAGCGTAACTTCCAGCTTCTGGTAATCACTCATGATGAAGATTTTGTGGAGC-3'
Protein context (NP_005723.2, residues 1246-1266): AHALVEIIKS[Arg1256Ser]SQQRNFQLLV